The following is an entry in ClinVar:

ClinVar aggregate classification (germline): Uncertain significance (1 of 4 stars; one submission).

gnomAD v4.1: 73 of 1,614,018 alleles (0.0045%); highest among the groups gnomAD compares: Non-Finnish European, 0.0056%; no homozygotes.

Submission:

Ambry Genetics
Classification: Uncertain significance. Last evaluated: 2026-02-16. Review status: criteria provided, single submitter. Criteria: Ambry Variant Classification Scheme 2023. Collection method: clinical testing. Allele origin: germline.
Comment: The c.313C>A (p.P105T) alteration is located in exon 3 (coding exon 3) of the RGL3 gene. This alteration results from a C to A substitution at nucleotide position 313, causing the proline (P) at amino acid position 105 to be replaced by a threonine (T). Based on data from gnomAD, the A allele has an overall frequency of 0.002% (4/251344) total alleles studied. The highest observed frequency was 0.004% (4/113652) of European (non-Finnish) alleles. Based on insufficient or conflicting evidence, the clinical significance of this alteration remains unclear.

NM_001035223.4(RGL3):c.313C>A (p.Pro105Thr)

Gene: RGL3 (ral guanine nucleotide dissociation stimulator like 3; minus strand). Cytogenetic location: 19p13.2.
Variant type: single nucleotide variant.
Coding change: c.313C>A on transcript NM_001035223.4 (MANE Select); coding-DNA position 313, C replaced by A.
Protein change: p.Pro105Thr; replaces proline 105 with threonine.
Molecular consequence: missense variant.
Genome position (GRCh38, 1-based): chr19:11,416,894, G>T on the plus strand (C>A on the coding strand, the complement: RGL3 is on the minus strand). VCF-style: chr19-11416894-G-T. GRCh37 (hg19) VCF-style: chr19-11527568-G-T.
Other names: c.313C>A, p.Pro105Thr (NM_001161616.3); short protein forms P105T.
Identifiers: ClinVar variation 4839939 (VCV004839939.1).